The following is an entry in ClinVar:

NM_000059.4(BRCA2):c.7618C>T (p.Leu2540=)

Gene: BRCA2 (BRCA2 DNA repair associated; plus strand). Cytogenetic location: 13q13.1.
Variant type: single nucleotide variant.
Coding change: c.7618C>T on transcript NM_000059.4 (MANE Select); coding-DNA position 7618, C replaced by T.
Protein change: p.Leu2540=; no amino-acid change (leucine 2540 retained).
Molecular consequence: synonymous variant. On other transcripts: non-coding transcript variant (1).
Genome position (GRCh38, 1-based): chr13:32,357,742, C>T. VCF-style: chr13-32357742-C-T. GRCh37 (hg19) VCF-style: chr13-32931879-C-T.
Other names: c.7522C>T, p.Leu2508= (NM_001406719.1); c.7618C>T, p.Leu2540= (NM_001406720.1); c.2686C>T, p.Leu896= (NM_001406721.1); c.1201C>T, p.Leu401= (NM_001406722.1).
Identifiers: ClinVar variation 3261624 (VCV003261624.3).
Genomic context (GRCh38, chr13:32,357,742, plus strand): 5'-TGTGTGATACATGTTTACTTTAAATTGTTTTTCTTTTTTGTGTGTGTTTATTTTGTGTAG[C>T]TGTATACGTATGGCGTTTCTAAACATTGCATAAAAATTAACAGCAAAAATGCAGAGTCTT-3'
Protein context (NP_000050.3, residues 2530-2550): QVPSACSHKQ[Leu2540=]YTYGVSKHCI

ClinVar aggregate classification (germline): Conflicting classifications of pathogenicity. Review status: criteria provided, conflicting classifications (1 of 4 stars). 2 submissions from 2 submitters: Uncertain significance (1); Likely benign (1). Last evaluated 2024-10-07.

Conditions:
Hereditary breast ovarian cancer syndrome. Also called: Hereditary breast and ovarian cancer; Hereditary breast and ovarian cancer syndrome (HBOC); BRCA1- and BRCA2-Associated Hereditary Breast and Ovarian Cancer; Hereditary breast and ovarian cancer syndrome; Hereditary breast and/or ovarian cancer syndrome; Breast and ovarian cancer. Identifiers: Orphanet 145, MedGen C0677776, MeSH D061325, MONDO:0003582. Disease mechanism: loss of function.
Hereditary cancer-predisposing syndrome. Also called: Hereditary Cancer Syndrome; Tumor predisposition; Hereditary neoplastic syndrome; Neoplastic Syndromes, Hereditary. Identifiers: Orphanet 140162, MedGen C0027672, MeSH D009386, MONDO:0015356.

Submissions (2):

Labcorp Genetics (formerly Invitae), Labcorp
Classification: Uncertain significance for Hereditary breast ovarian cancer syndrome. Last evaluated: 2024-10-07. Review status: criteria provided, single submitter. Criteria: Invitae Variant Classification Sherloc (09022015). Collection method: clinical testing. Allele origin: germline.
Comment: This sequence change affects codon 2540 of the BRCA2 mRNA. It is a 'silent' change, meaning that it does not change the encoded amino acid sequence of the BRCA2 protein. It affects a nucleotide within the consensus splice site. This variant is not present in population databases (gnomAD no frequency). This variant has not been reported in the literature in individuals affected with BRCA2-related conditions. Algorithms developed to predict the effect of sequence changes on RNA splicing suggest that this variant is not likely to affect RNA splicing. In summary, the available evidence is currently insufficient to determine the role of this variant in disease. Therefore, it has been classified as a Variant of Uncertain Significance.

Ambry Genetics
Classification: Likely benign for Hereditary cancer-predisposing syndrome. Last evaluated: 2024-05-16. Review status: criteria provided, single submitter. Criteria: Ambry Variant Classification Scheme 2023. Collection method: clinical testing. Allele origin: germline.